The following is an entry in ClinVar:

NM_006070.6(TFG):c.1123C>T (p.Pro375Ser)

Gene: TFG (trafficking from ER to golgi regulator; plus strand). Cytogenetic location: 3q12.2.
Variant type: single nucleotide variant.
Coding change: c.1123C>T on transcript NM_006070.6 (MANE Select); coding-DNA position 1123, C replaced by T.
Protein change: p.Pro375Ser; replaces proline 375 with serine.
Molecular consequence: missense variant.
Genome position (GRCh38, 1-based): chr3:100,748,451, C>T. VCF-style: chr3-100748451-C-T. GRCh37 (hg19) VCF-style: chr3-100467295-C-T.
Other names: c.1123C>T, p.Pro375Ser (NM_001007565.2, NM_001195478.2); c.1111C>T, p.Pro371Ser (NM_001195479.2); short protein forms P371S, P375S.
Identifiers: ClinVar variation 1974456 (VCV001974456.5), dbSNP rs1234073129, ClinGen allele CA353854517.

ClinVar aggregate classification (germline): Uncertain significance (1 of 4 stars; one submission).

Conditions:
Hereditary spastic paraplegia 57. Also called: Spastic paraplegia 57, autosomal recessive. Identifiers: Orphanet 431329, MedGen C3714897, MONDO:0014295, OMIM 615658.
Hereditary motor and sensory neuropathy, Okinawa type (HMSNO). Also called: HEREDITARY MOTOR AND SENSORY NEUROPATHY, PROXIMAL TYPE. Identifiers: Orphanet 90117, MedGen C1858338, MONDO:0011468, OMIM 604484.

Submission:

Labcorp Genetics (formerly Invitae), Labcorp
Classification: Uncertain significance for Hereditary motor and sensory neuropathy, Okinawa type; Hereditary spastic paraplegia 57. Last evaluated: 2022-02-14. Review status: criteria provided, single submitter. Criteria: Invitae Variant Classification Sherloc (09022015). Collection method: clinical testing. Allele origin: germline.
Comment: In summary, the available evidence is currently insufficient to determine the role of this variant in disease. Therefore, it has been classified as a Variant of Uncertain Significance. Algorithms developed to predict the effect of missense changes on protein structure and function output the following: SIFT: "Tolerated"; PolyPhen-2: "Possibly Damaging"; Align-GVGD: "Class C0". The serine amino acid residue is found in multiple mammalian species, which suggests that this missense change does not adversely affect protein function. This variant has not been reported in the literature in individuals affected with TFG-related conditions. This variant is not present in population databases (gnomAD no frequency). This sequence change replaces proline, which is neutral and non-polar, with serine, which is neutral and polar, at codon 375 of the TFG protein (p.Pro375Ser).